The following is an entry in ClinVar:

ClinVar aggregate classification (germline): Conflicting classifications of pathogenicity. Review status: criteria provided, conflicting classifications (1 of 4 stars). 3 submissions from 3 submitters: Uncertain significance (2); Likely benign (1). Last evaluated 2025-06-04.

Conditions:
Developmental and epileptic encephalopathy, 42 (DEE42A). Also called: Epileptic encephalopathy, early infantile, 42; DEVELOPMENTAL AND EPILEPTIC ENCEPHALOPATHY 42A; EPILEPTIC ENCEPHALOPATHY, EARLY INFANTILE, 42A. Identifiers: MedGen C4310716, MONDO:0014917, OMIM 617106.
Episodic ataxia type 2 (EA2). Also called: CEREBELLAR ATAXIA, PAROXYSMAL, ACETAZOLAMIDE-RESPONSIVE; CEREBELLOPATHY, HEREDITARY PAROXYSMAL; EPISODIC ATAXIA, NYSTAGMUS-ASSOCIATED; ACETAZOLAMIDE-RESPONSIVE HEREDITARY PAROXYSMAL CEREBELLAR ATAXIA; ATAXIA, EPISODIC, WITH NYSTAGMUS; ATAXIA, FAMILIAL PAROXYSMAL. Identifiers: Orphanet 97, MedGen C1720416, MONDO:0007163, OMIM 108500.
Inborn genetic diseases. Identifiers: MedGen C0950123, MeSH D030342.

Allele frequency attached by ClinVar (database versions not stated): gnomAD exomes below 0.00001 and 0.00001; ExAC 0.00002; gnomAD 0.00004 and 0.00003; TOPMed 0.00006; ESP Exome Variant Server 0.00009.
gnomAD v4.1: 11 of 1,608,926 alleles (0.00068%); highest among the groups gnomAD compares: African/African-American, 0.008%; no homozygotes.

Submissions (3):

Labcorp Genetics (formerly Invitae), Labcorp
Classification: Likely benign for Developmental and epileptic encephalopathy, 42; Episodic ataxia type 2. Last evaluated: 2025-06-04. Review status: criteria provided, single submitter. Criteria: Invitae Variant Classification Sherloc (09022015). Collection method: clinical testing. Allele origin: germline.

GeneDx
Classification: Uncertain significance. Last evaluated: 2023-12-08. Review status: criteria provided, single submitter. Criteria: GeneDx Variant Classification Process June 2021. Collection method: clinical testing. Allele origin: germline. Affected: yes.
Comment: In silico analysis supports that this missense variant has a deleterious effect on protein structure/function; Has not been previously published as pathogenic or benign to our knowledge

Ambry Genetics
Classification: Uncertain significance for Inborn genetic diseases. Last evaluated: 2017-11-10. Review status: criteria provided, single submitter. Criteria: Ambry Variant Classification Scheme 2023. Collection method: clinical testing. Allele origin: germline.
Comment: The p.G1042V variant (also known as c.3125G>T), located in coding exon 20 of the CACNA1A gene, results from a G to T substitution at nucleotide position 3125. The glycine at codon 1042 is replaced by valine, an amino acid with dissimilar properties. This amino acid position is highly conserved in available vertebrate species. In addition, this alteration is predicted to be deleterious by in silico analysis. Since supporting evidence is limited at this time, the clinical significance of this alteration remains unclear.

NM_001127222.2(CACNA1A):c.3122G>T (p.Gly1041Val)

Gene: CACNA1A (calcium voltage-gated channel subunit alpha1 A; minus strand). Cytogenetic location: 19p13.13.
Variant type: single nucleotide variant.
Coding change: c.3122G>T on transcript NM_001127222.2 (MANE Select); coding-DNA position 3122, G replaced by T.
Protein change: p.Gly1041Val; replaces glycine 1041 with valine.
Molecular consequence: missense variant.
Genome position (GRCh38, 1-based): chr19:13,286,934, C>A on the plus strand (G>T on the coding strand, the complement: CACNA1A is on the minus strand). VCF-style: chr19-13286934-C-A. GRCh37 (hg19) VCF-style: chr19-13397748-C-A.
Other names: c.3134G>T, p.Gly1045Val (NM_000068.4, NM_023035.3); c.3125G>T, p.Gly1042Val (NM_001127221.2, NM_001174080.2); short protein forms G1041V, G1045V, G1042V.
Identifiers: ClinVar variation 972024 (VCV000972024.11), dbSNP rs370396470, ClinGen allele CA9240405.
Genomic context (GRCh38, chr19:13,286,934, plus strand): 5'-AGGGGTGGGTCTTGGCGGCCCAGGTCCTGCTGGATTGGCCGGGTGGTTGACAGGTTGGGG[C>A]CCGACACAGGGACCCCGGAGCCCTGGTTCTCTCTGAGGAAGGCAAGTGAATGAAAAAGAA-3'
Protein context (NP_001120694.1, residues 1031-1051): ENQGSGVPVS[Gly1041Val]PNLSTTRPIQ